The following is an entry in ClinVar:

NM_002700.3(POU4F3):c.919A>G (p.Ile307Val)

Genes: POU4F3 (POU class 4 homeobox 3; plus strand), RBM27-POU4F3 (RBM27-POU4F3 readthrough; plus strand). Cytogenetic location: 5q32.
Variant type: single nucleotide variant.
Coding change: c.919A>G on transcript NM_002700.3 (MANE Select); coding-DNA position 919, A replaced by G.
Protein change: p.Ile307Val; replaces isoleucine 307 with valine.
Molecular consequence: missense variant. On other transcripts: 3 prime UTR variant (1).
Genome position (GRCh38, 1-based): chr5:146,340,346, A>G. VCF-style: chr5-146340346-A-G. GRCh37 (hg19) VCF-style: chr5-145719909-A-G.
Other names: c.*788A>G (NM_001414499.1); short protein forms I307V.
Identifiers: ClinVar variation 2954805 (VCV002954805.3), dbSNP rs1170419462, ClinGen allele CA361623119.
Genomic context (GRCh38, chr5:146,340,346, plus strand): 5'-CGTTCACTCGAGGCCTATTTCGCTATCCAGCCACGTCCTTCATCTGAGAAGATCGCGGCC[A>G]TCGCTGAGAAACTGGACCTTAAAAAGAACGTGGTGAGAGTCTGGTTCTGCAACCAGAGAC-3'
Protein context (NP_002691.1, residues 297-317): PRPSSEKIAA[Ile307Val]AEKLDLKKNV

ClinVar aggregate classification (germline): Uncertain significance (1 of 4 stars; one submission).

Allele frequency attached by ClinVar (database versions not stated): gnomAD exomes below 0.00001; gnomAD 0.00001.

Submission:

Labcorp Genetics (formerly Invitae), Labcorp
Classification: Uncertain significance. Last evaluated: 2023-11-17. Review status: criteria provided, single submitter. Criteria: Invitae Variant Classification Sherloc (09022015). Collection method: clinical testing. Allele origin: germline.
Comment: This sequence change replaces isoleucine, which is neutral and non-polar, with valine, which is neutral and non-polar, at codon 307 of the POU4F3 protein (p.Ile307Val). This variant is present in population databases (no rsID available, gnomAD 0.03%). This variant has not been reported in the literature in individuals affected with POU4F3-related conditions. Advanced modeling of protein sequence and biophysical properties (such as structural, functional, and spatial information, amino acid conservation, physicochemical variation, residue mobility, and thermodynamic stability) performed at Invitae indicates that this missense variant is expected to disrupt POU4F3 protein function with a positive predictive value of 80%. In summary, the available evidence is currently insufficient to determine the role of this variant in disease. Therefore, it has been classified as a Variant of Uncertain Significance.